The following is an entry in ClinVar:

ClinVar aggregate classification (germline): Uncertain significance (1 of 4 stars; one submission).

Allele frequency attached by ClinVar (database versions not stated): TOPMed 0.00001; ExAC 0.00004; ESP Exome Variant Server 0.00008.

Submission:

Ambry Genetics
Classification: Uncertain significance. Last evaluated: 2024-12-04. Review status: criteria provided, single submitter. Criteria: Ambry Variant Classification Scheme 2023. Collection method: clinical testing. Allele origin: germline.
Comment: The p.E1627V variant (also known as c.4880A>T), located in coding exon 20 of the WNK2 gene, results from an A to T substitution at nucleotide position 4880. The glutamic acid at codon 1627 is replaced by valine, an amino acid with dissimilar properties. This amino acid position is conserved. In addition, this alteration is predicted to be tolerated by in silico analysis. Based on the available evidence, the clinical significance of this variant remains unclear.

NM_006648.4(WNK2):c.4880A>T (p.Glu1627Val)

Gene: WNK2 (WNK lysine deficient protein kinase 2; plus strand). Cytogenetic location: 9q22.31.
Variant type: single nucleotide variant.
Coding change: c.4880A>T on transcript NM_006648.4 (MANE Select); coding-DNA position 4880, A replaced by T.
Protein change: p.Glu1627Val; replaces glutamic acid 1627 with valine.
Molecular consequence: missense variant.
Genome position (GRCh38, 1-based): chr9:93,289,991, A>T. VCF-style: chr9-93289991-A-T. GRCh37 (hg19) VCF-style: chr9-96052273-A-T.
Other names: c.4991A>T, p.Glu1664Val (NM_001282394.3); short protein forms E1664V, E1627V.
Identifiers: ClinVar variation 3190643 (VCV003190643.2), dbSNP rs376292698, ClinGen allele CA5130429.